The following is an entry in ClinVar:

ClinVar aggregate classification (germline): Uncertain significance (1 of 4 stars; one submission).

Conditions:
Basilicata-Akhtar syndrome. Also called: INTELLECTUAL DEVELOPMENTAL DISORDER, X-LINKED, SYNDROMIC, 36; MENTAL RETARDATION, X-LINKED, SYNDROMIC, BASILICATA-AKHTAR TYPE. Identifiers: MedGen C5231394, MONDO:0026730, OMIM 301032.

Submission:

Victorian Clinical Genetics Services, Murdoch Childrens Research Institute
Classification: Uncertain significance for Basilicata-Akhtar syndrome. Last evaluated: 2025-07-15. Review status: criteria provided, single submitter. Criteria: ACMG Guidelines, 2015. Collection method: clinical testing. Allele origin: germline. Affected: yes.
Comment: This variant is classified as VUS-3B. Evidence in support of pathogenic classification: Variant is absent from gnomAD (v2, v3 and v4). Additional information: Variant is predicted to result in a missense amino acid change from methionine to isoleucine; This variant is heterozygous; This gene is associated with X-linked dominant disease; This variant has no previous evidence of pathogenicity; No published segregation evidence has been identified for this variant; No published functional evidence has been identified for this variant; No comparable missense variants have previous evidence for pathogenicity; Variant is located in the MRG domain (DECIPHER); Missense variant with inconclusive in silico prediction and uninformative conservation; Loss of function is a known mechanism of disease in this gene and is associated with Basilicata-Akhtar syndrome (MIM#301032); Inheritance information for this variant is not currently available in this individual.

NM_078629.4(MSL3):c.1410G>A (p.Met470Ile)

Gene: MSL3 (MSL complex subunit 3; plus strand). Cytogenetic location: Xp22.2.
Variant type: single nucleotide variant.
Coding change: c.1410G>A on transcript NM_078629.4 (MANE Select); coding-DNA position 1410, G replaced by A.
Protein change: p.Met470Ile; replaces methionine 470 with isoleucine.
Molecular consequence: missense variant.
Genome position (GRCh38, 1-based): chrX:11,772,649, G>A. VCF-style: chrX-11772649-G-A. GRCh37 (hg19) VCF-style: chrX-11790768-G-A.
Other names: c.1374G>A, p.Met458Ile (NM_001193270.2); c.963G>A, p.Met321Ile (NM_001282174.1); c.912G>A, p.Met304Ile (NM_006800.4); short protein forms M304I, M321I, M458I, M470I.
Identifiers: ClinVar variation 4532149 (VCV004532149.1).